The following is an entry in ClinVar:

ClinVar aggregate classification (germline): Uncertain significance (1 of 4 stars; one submission).

Allele frequency attached by ClinVar (database versions not stated): gnomAD exomes below 0.00001; ExAC 0.00001; gnomAD 0.00001; TOPMed 0.00001.
gnomAD v4.1: 5 of 1,596,034 alleles (0.00031%); highest among the groups gnomAD compares: Non-Finnish European, 0.00034%; no homozygotes.

Submission:

Labcorp Genetics (formerly Invitae), Labcorp
Classification: Uncertain significance. Last evaluated: 2022-03-11. Review status: criteria provided, single submitter. Criteria: Invitae Variant Classification Sherloc (09022015). Collection method: clinical testing. Allele origin: germline.
Comment: In summary, the available evidence is currently insufficient to determine the role of this variant in disease. Therefore, it has been classified as a Variant of Uncertain Significance. Algorithms developed to predict the effect of sequence changes on RNA splicing suggest that this variant may disrupt the consensus splice site. This variant has not been reported in the literature in individuals affected with GNAT2-related conditions. This variant is present in population databases (rs758064816, gnomAD 0.0009%). This sequence change falls in intron 6 of the GNAT2 gene. It does not directly change the encoded amino acid sequence of the GNAT2 protein.

NM_001377295.2(GNAT2):c.721-20A>G

Gene: GNAT2 (G protein subunit alpha transducin 2; minus strand). Cytogenetic location: 1p13.3.
Variant type: single nucleotide variant.
Coding change: c.721-20A>G on transcript NM_001377295.2 (MANE Select); 20 bases into the intron before coding-DNA position 721, A replaced by G.
Molecular consequence: intron variant.
Genome position (GRCh38, 1-based): chr1:109,604,124, T>C on the plus strand (A>G on the coding strand, the complement: GNAT2 is on the minus strand). VCF-style: chr1-109604124-T-C. GRCh37 (hg19) VCF-style: chr1-110146746-T-C.
Other names: c.721-20A>G (NM_001379232.1, NM_005272.5).
Identifiers: ClinVar variation 1513539 (VCV001513539.6), dbSNP rs758064816, ClinGen allele CA992327.